The following is an entry in ClinVar:

NM_002691.4(POLD1):c.2758G>T (p.Asp920Tyr)

Gene: POLD1 (DNA polymerase delta 1, catalytic subunit; plus strand). Cytogenetic location: 19q13.33.
Variant type: single nucleotide variant.
Coding change: c.2758G>T on transcript NM_002691.4 (MANE Select); coding-DNA position 2758, G replaced by T.
Protein change: p.Asp920Tyr; replaces aspartic acid 920 with tyrosine.
Molecular consequence: missense variant.
Genome position (GRCh38, 1-based): chr19:50,415,764, G>T. VCF-style: chr19-50415764-G-T. GRCh37 (hg19) VCF-style: chr19-50919021-G-T.
Other names: c.2758G>T, p.Asp920Tyr (NM_001256849.1); c.2836G>T, p.Asp946Tyr (NM_001308632.1); short protein forms D946Y, D920Y.
Identifiers: ClinVar variation 2700075 (VCV002700075.3), dbSNP rs1060501811, ClinGen allele CA406985933.

ClinVar aggregate classification (germline): Uncertain significance (1 of 4 stars; one submission).

Conditions:
POLD1-related polyposis and colorectal cancer syndrome (CRCS10). Also called: Colorectal cancer 10; Colorectal cancer, susceptibility to, 10; COLORECTAL CANCER, SUSCEPTIBILITY TO, ON CHROMOSOME 19q. Identifiers: Orphanet 220460, MedGen C2675481, MONDO:0012953, OMIM 612591.

Submission:

Labcorp Genetics (formerly Invitae), Labcorp
Classification: Uncertain significance for POLD1-related polyposis and colorectal cancer syndrome. Last evaluated: 2023-12-12. Review status: criteria provided, single submitter. Criteria: Invitae Variant Classification Sherloc (09022015). Collection method: clinical testing. Allele origin: germline.
Comment: This sequence change replaces aspartic acid, which is acidic and polar, with tyrosine, which is neutral and polar, at codon 920 of the POLD1 protein (p.Asp920Tyr). This variant is not present in population databases (gnomAD no frequency). This variant has not been reported in the literature in individuals affected with POLD1-related conditions. Advanced modeling of protein sequence and biophysical properties (such as structural, functional, and spatial information, amino acid conservation, physicochemical variation, residue mobility, and thermodynamic stability) performed at Invitae indicates that this missense variant is expected to disrupt POLD1 protein function with a positive predictive value of 80%. In summary, the available evidence is currently insufficient to determine the role of this variant in disease. Therefore, it has been classified as a Variant of Uncertain Significance.